The following is an entry in ClinVar:

ClinVar aggregate classification (germline): Uncertain significance (1 of 4 stars; one submission).

Conditions:
Perlman syndrome (PRLMNS). Identifiers: Orphanet 2849, MedGen C0796113, MONDO:0009965, OMIM 267000.

Submission:

Labcorp Genetics (formerly Invitae), Labcorp
Classification: Uncertain significance for Perlman syndrome. Last evaluated: 2021-08-30. Review status: criteria provided, single submitter. Criteria: Invitae Variant Classification Sherloc (09022015). Collection method: clinical testing. Allele origin: germline.
Comment: In summary, the available evidence is currently insufficient to determine the role of this variant in disease. Therefore, it has been classified as a Variant of Uncertain Significance. Algorithms developed to predict the effect of missense changes on protein structure and function are either unavailable or do not agree on the potential impact of this missense change (SIFT: "Tolerated"; PolyPhen-2: "Probably Damaging"; Align-GVGD: "Class C0"). This variant has not been reported in the literature in individuals affected with DIS3L2-related conditions. This variant is not present in population databases (ExAC no frequency). This sequence change replaces proline with threonine at codon 286 of the DIS3L2 protein (p.Pro286Thr). The proline residue is moderately conserved and there is a small physicochemical difference between proline and threonine.

NM_152383.5(DIS3L2):c.856C>A (p.Pro286Thr)

Gene: DIS3L2 (DIS3 like 3'-5' exoribonuclease 2; plus strand). Cytogenetic location: 2q37.1.
Variant type: single nucleotide variant.
Coding change: c.856C>A on transcript NM_152383.5 (MANE Select); coding-DNA position 856, C replaced by A.
Protein change: p.Pro286Thr; replaces proline 286 with threonine.
Molecular consequence: missense variant. On other transcripts: non-coding transcript variant (1).
Genome position (GRCh38, 1-based): chr2:232,136,625, C>A. VCF-style: chr2-232136625-C-A. GRCh37 (hg19) VCF-style: chr2-233001335-C-A.
Other names: c.856C>A, p.Pro286Thr (NM_001257281.2); short protein forms P286T.
Identifiers: ClinVar variation 1391828 (VCV001391828.6), dbSNP rs1427495306, ClinGen allele CA351153739.
Genomic context (GRCh38, chr2:232,136,625, plus strand): 5'-GCCCTGTTTTCTCCCTCAGACCACCGAGTGCCTAGAATTTATGTGCCTCTCAAGGACTGT[C>A]CCCAGGACTTTGTGGCACGGCCTAAAGATTATGCCAACACACTGTTCATCTGCCGCATTG-3'
Protein context (NP_689596.4, residues 276-296): PRIYVPLKDC[Pro286Thr]QDFVARPKDY